The following is an entry in ClinVar:

NM_000152.5(GAA):c.304C>T (p.Gln102Ter)

Gene: GAA (alpha glucosidase; plus strand). Cytogenetic location: 17q25.3.
Variant type: single nucleotide variant.
Coding change: c.304C>T on transcript NM_000152.5 (MANE Select); coding-DNA position 304, C replaced by T.
Protein change: p.Gln102Ter; replaces glutamine 102 with a stop codon.
Molecular consequence: nonsense.
Genome position (GRCh38, 1-based): chr17:80,104,890, C>T. VCF-style: chr17-80104890-C-T. GRCh37 (hg19) VCF-style: chr17-78078689-C-T.
Other names: c.304C>T, p.Gln102Ter (NM_001079803.3, NM_001079804.3); c.304C>T (NM_000152.4); short protein forms Q102*.
Identifiers: ClinVar variation 1453562 (VCV001453562.7), dbSNP rs1432841878, ClinGen allele CA401360674.
Genomic context (GRCh38, chr17:80,104,890, plus strand): 5'-TGCGACGTCCCCCCCAACAGCCGCTTCGATTGCGCCCCTGACAAGGCCATCACCCAGGAA[C>T]AGTGCGAGGCCCGCGGCTGTTGCTACATCCCTGCAAAGCAGGGGCTGCAGGGAGCCCAGA-3'

ClinVar aggregate classification (germline): Pathogenic/Likely pathogenic. Review status: criteria provided, multiple submitters, no conflicts (2 of 4 stars). 2 submissions from 2 submitters: Pathogenic (1); Likely pathogenic (1). Last evaluated 2025-12-12.

Conditions:
Glycogen storage disease, type II (IOPD). Also called: Glucosidase acid-1,4-alpha deficiency; GLYCOGENOSIS, GENERALIZED, CARDIAC FORM; GSD II; POMPE DISEASE, INFANTILE-ONSET; Pompe Disease; Glycogen storage disease type 2. Identifiers: Orphanet 365, MedGen C0017921, MONDO:0009290, OMIM 232300.

Submissions (2):

Natera, Inc.
Classification: Likely pathogenic for Glycogen storage disease type II. Last evaluated: 2025-12-12. Review status: criteria provided, single submitter. Criteria: Natera Variant Classification Schema (03/2026). Collection method: clinical testing. Allele origin: germline.
Comment: The c.304C>T variant in GAA is a nonsense variant predicted to introduce a stop codon at amino acid 102. This variant is expected to result in nonsense mediated decay, truncation, or a dysfunctional protein product. This variant is rare in the general population with a frequency below the threshold expected for the associated phenotype(s). Given the available evidence, this variant is classified as Likely Pathogenic.

Labcorp Genetics (formerly Invitae), Labcorp
Classification: Pathogenic for Glycogen storage disease, type II. Last evaluated: 2021-02-11. Review status: criteria provided, single submitter. Criteria: Invitae Variant Classification Sherloc (09022015). Collection method: clinical testing. Allele origin: germline.
Comment: This variant has not been reported in the literature in individuals with GAA-related conditions. This sequence change creates a premature translational stop signal (p.Gln102*) in the GAA gene. It is expected to result in an absent or disrupted protein product. Loss-of-function variants in GAA are known to be pathogenic (PMID: 18425781, 22252923). This variant is not present in population databases (ExAC no frequency). For these reasons, this variant has been classified as Pathogenic.

Literature cited by the submitters: PubMed 18425781 (cited by Labcorp Genetics (formerly Invitae), Labcorp); PubMed 22252923 (cited by Labcorp Genetics (formerly Invitae), Labcorp).